The following is an entry in ClinVar:

ClinVar aggregate classification (germline): Likely benign (0 of 4 stars; one submission).

Conditions:
PCDHA9-related disorder. Also called: PCDHA9-related condition.

Submission:

PreventionGenetics, part of Exact Sciences
Classification: Likely benign for PCDHA9-related condition. Last evaluated: 2020-09-24. Review status: no assertion criteria provided. Collection method: clinical testing. Allele origin: germline.
Comment: This variant is classified as likely benign based on ACMG/AMP sequence variant interpretation guidelines (Richards et al. 2015 PMID: 25741868, with internal and published modifications).

NM_031857.2(PCDHA9):c.333C>A (p.Asp111Glu)

Genes: PCDHA1 (protocadherin alpha 1; plus strand), PCDHA2 (protocadherin alpha 2; plus strand), PCDHA3 (protocadherin alpha 3; plus strand), PCDHA4 (protocadherin alpha 4; plus strand), PCDHA5 (protocadherin alpha 5; plus strand) and 5 more. Cytogenetic location: 5q31.3.
Variant type: single nucleotide variant.
Coding change: c.333C>A on transcript NM_031857.2 (MANE Select); coding-DNA position 333, C replaced by A.
Protein change: p.Asp111Glu; replaces aspartic acid 111 with glutamic acid.
Molecular consequence: missense variant. On other transcripts: intron variant (10).
Genome position (GRCh38, 1-based): chr5:140,848,828, C>A. VCF-style: chr5-140848828-C-A. GRCh37 (hg19) VCF-style: chr5-140228413-C-A.
Other names: c.333C>A, p.Asp111Glu (NM_014005.5); c.2394+60144C>A (NM_018900.4); c.1602+60936C>A (NM_031411.3); c.2388+51476C>A (NM_018905.3); c.2394+45237C>A (NM_018906.3); c.2385+39256C>A (NM_018907.4); c.2352+24701C>A (NM_018908.3); c.2394+18343C>A (NM_018909.4); and 3 more; short protein forms D111E.
Identifiers: ClinVar variation 3058838 (VCV003058838.2), dbSNP rs17844323, ClinGen allele CA3450200.